The following is an entry in ClinVar:

ClinVar aggregate classification (germline): Uncertain significance (1 of 4 stars; one submission).

Allele frequency attached by ClinVar (database versions not stated): gnomAD exomes below 0.00001 and 0.00001.
gnomAD v4.1: 10 of 1,613,638 alleles (0.00062%); highest among the groups gnomAD compares: Non-Finnish European, 0.00085%; no homozygotes.

Submission:

Labcorp Genetics (formerly Invitae), Labcorp
Classification: Uncertain significance. Last evaluated: 2021-07-27. Review status: criteria provided, single submitter. Criteria: Invitae Variant Classification Sherloc (09022015). Collection method: clinical testing. Allele origin: germline.
Comment: In summary, the available evidence is currently insufficient to determine the role of this variant in disease. Therefore, it has been classified as a Variant of Uncertain Significance. Algorithms developed to predict the effect of missense changes on protein structure and function (SIFT, PolyPhen-2, Align-GVGD) all suggest that this variant is likely to be tolerated. This variant has not been reported in the literature in individuals affected with INTU-related conditions. This variant is not present in population databases (ExAC no frequency). This sequence change replaces serine with alanine at codon 450 of the INTU protein (p.Ser450Ala). The serine residue is moderately conserved and there is a moderate physicochemical difference between serine and alanine.

NM_015693.4(INTU):c.1348T>G (p.Ser450Ala)

Genes: INTU (inturned planar cell polarity protein; plus strand), LOC126807151 (CDK7 strongly-dependent group 2 enhancer GRCh37_chr4:128607842-128609041; plus strand). Cytogenetic location: 4q28.1.
Variant type: single nucleotide variant.
Coding change: c.1348T>G on transcript NM_015693.4 (MANE Select); coding-DNA position 1348, T replaced by G.
Protein change: p.Ser450Ala; replaces serine 450 with alanine.
Molecular consequence: missense variant.
Genome position (GRCh38, 1-based): chr4:127,687,766, T>G. VCF-style: chr4-127687766-T-G. GRCh37 (hg19) VCF-style: chr4-128608921-T-G.
Other names: short protein forms S450A.
Identifiers: ClinVar variation 1508102 (VCV001508102.8), dbSNP rs1360415151, ClinGen allele CA358147396.